The following is an entry in ClinVar:

ClinVar aggregate classification (germline): Uncertain significance. Review status: criteria provided, multiple submitters, no conflicts (2 of 4 stars). 2 submissions from 2 submitters: Uncertain significance (2). Last evaluated 2025-11-03.

Conditions:
Inborn genetic diseases. Identifiers: MedGen C0950123, MeSH D030342.

gnomAD v4.1: 1 of 1,578,742 alleles (0.000063%); highest among the groups gnomAD compares: East Asian, 0.0023%; no homozygotes.

Submissions (2):

Ambry Genetics
Classification: Uncertain significance for Inborn genetic diseases. Last evaluated: 2025-11-03. Review status: criteria provided, single submitter. Criteria: Ambry Variant Classification Scheme 2023. Collection method: clinical testing. Allele origin: germline.

Labcorp Genetics (formerly Invitae), Labcorp
Classification: Uncertain significance. Last evaluated: 2024-04-25. Review status: criteria provided, single submitter. Criteria: Invitae Variant Classification Sherloc (09022015). Collection method: clinical testing. Allele origin: germline.
Comment: This sequence change replaces lysine, which is basic and polar, with arginine, which is basic and polar, at codon 2005 of the MYO7A protein (p.Lys2005Arg). This variant is not present in population databases (gnomAD no frequency). This variant has not been reported in the literature in individuals affected with MYO7A-related conditions. Advanced modeling of protein sequence and biophysical properties (such as structural, functional, and spatial information, amino acid conservation, physicochemical variation, residue mobility, and thermodynamic stability) performed at Invitae indicates that this missense variant is not expected to disrupt MYO7A protein function with a negative predictive value of 95%. In summary, the available evidence is currently insufficient to determine the role of this variant in disease. Therefore, it has been classified as a Variant of Uncertain Significance.

NM_000260.4(MYO7A):c.6014A>G (p.Lys2005Arg)

Gene: MYO7A (myosin VIIA; plus strand). Cytogenetic location: 11q13.5.
Variant type: single nucleotide variant.
Coding change: c.6014A>G on transcript NM_000260.4 (MANE Select); coding-DNA position 6014, A replaced by G.
Protein change: p.Lys2005Arg; replaces lysine 2005 with arginine.
Molecular consequence: missense variant.
Genome position (GRCh38, 1-based): chr11:77,208,766, A>G. VCF-style: chr11-77208766-A-G. GRCh37 (hg19) VCF-style: chr11-76919811-A-G.
Other names: c.5900A>G, p.Lys1967Arg (NM_001127180.2); c.5867A>G, p.Lys1956Arg (NM_001369365.1); c.6014A>G (NM_000260.3); short protein forms K1967R, K1956R, K2005R.
Identifiers: ClinVar variation 3730474 (VCV003730474.3).